The following continues an entry in ClinVar:

NM_002528.7(NTHL1):c.244C>T (p.Gln82Ter)

ClinVar aggregate classification (germline): Pathogenic/Likely pathogenic. Pathogenic (35); Likely pathogenic (1).

Submissions 13 to 33 of 44:

Laboratory of Genetics, Children's Clinical University Hospital Latvia
Classification: Pathogenic. Last evaluated: 2025-02-16. Review status: criteria provided, single submitter. Criteria: ACMG Guidelines, 2015. Collection method: clinical testing. Allele origin: germline. Affected: yes.

Molecular Diagnostics Laboratory, Catalan Institute of Oncology
Classification: Pathogenic for Hereditary cancer-predisposing syndrome. Last evaluated: 2024-11-25. Review status: criteria provided, single submitter. Criteria: ACMG Guidelines, 2015. Collection method: clinical testing. Allele origin: germline.
Comment: PVS1, PM3_Strong c.268C>T, located in exon 2 of the NTHL1 gene, is a nonsense variant expected to result in loss of function by premature protein truncation and nonsense-mediated mRNA decay (PVS1). This variant is found in 385/268256 alleles at a frequency of 0.1% in the gnomAD v2.1.1 database, non-cancer dataset. To our knowledge, no well-established functional studies have been reported for this variant. It was found in compound heterozygosis in one of 863 familal CRC cases and none of the 1604 controls (PMID: 27713038). It has been reported in homozygous or compound heterozygous state in multiple affected individuals (PMID: 30248171, 31227763, 30753826, 25938944, 26559593, 27329137, 31645984) (PM3_Strong). This variant has been reported in the ClinVar database (29x pathogenic, 1x likely pathogenic) and in the LOVD (22x pathogenic). Based on currently available information, the variant c.268C>T should be considered a pathogenic variant, according to ACMG/AMP classification guidelines.

Blueprint Genetics
Classification: Pathogenic for NTHL1-related disorders. Last evaluated: 2024-11-23. Review status: criteria provided, single submitter. Criteria: ACMG Guidelines, 2015. Collection method: clinical testing. Allele origin: germline. Affected: yes. Observed: 5 variant alleles.

Ambry Genetics
Classification: Pathogenic for Hereditary cancer-predisposing syndrome. Last evaluated: 2024-10-21. Review status: criteria provided, single submitter. Criteria: Ambry Variant Classification Scheme 2023. Collection method: clinical testing. Allele origin: germline.
Comment: The p.Q90* pathogenic mutation (also known as c.268C>T), located in coding exon 2 of the NTHL1 gene, results from a C to T substitution at nucleotide position 268. This changes the amino acid from a glutamine to a stop codon within coding exon 2. This mutation has been reported in the homozygous or compound heterozygous state in multiple unrelated individuals with polyposis and/or colorectal cancer (Dallosso AR et al. Gut 2008 Sep;57:1252-5; Weren RD et al. Nat. Genet. 2015 Jun;47:668-71; Kuiper RP et al. Oncotarget 2015 Oct;6:34069-70; Timofeeva MN et al. Sci Rep. 2015 Nov 10;5:16286; Rivera et al. N. Engl. J. Med. 2015 Dec;373:e33; Broderick P et al. Gastroenterology 2017 Jan;152:75-77.e4; Belhadj S et al. Clin. Gastroenterol. Hepatol. 2017 Mar;15:461-462; Whitworth J et al. Am J Hum Genet. 2018 Jul 5;103(1):3-18; Fostira F et al. Clin Genet. 2018 Sep 24). In addition to the clinical data presented in the literature, this alteration is expected to result in loss of function by premature protein truncation or nonsense-mediated mRNA decay. As such, this alteration is interpreted as a disease-causing mutation.

Genomics and Molecular Medicine Service, East Genomic Laboratory Hub, NHS Genomic Medicine Service
Classification: Pathogenic for Inherited polyposis and early onset colorectal cancer - germline testing. Last evaluated: 2024-10-15. Review status: criteria provided, single submitter. Criteria: ACGS Best Practice Guidelines for Variant Classification in Rare Disease 2020. Collection method: clinical testing. Allele origin: germline. Affected: yes.
Comment: PVS1,PM3_Strong

Department of Genomics, ADN Uruguay
Classification: Pathogenic for Colorectal cancer. Last evaluated: 2024-06-27. Review status: criteria provided, single submitter. Criteria: Assertion Criteria Germline. Collection method: clinical testing. Allele origin: germline. Inheritance: Autosomal recessive inheritance. Affected: yes. Observed: 1 variant allele.
Comment: The c.244C>T (p.Gln82*) variant in NTHL1 is a nonsense change predicted to cause premature protein truncation and loss of function (PVS1). It is rare in population databases (PM2; gnomAD AF = 0.0014) and has been reported as pathogenic in individuals with NTHL1-associated tumor syndrome and adenomatous polyposis (PMID:25938944). Classified as Pathogenic according to ACMG/AMP criteria (PVS1, PM2, PS3_supporting).

Fulgent Genetics
Classification: Likely pathogenic for Familial adenomatous polyposis 3. Last evaluated: 2024-05-23. Review status: criteria provided, single submitter. Criteria: ACMG Guidelines, 2015. Collection method: clinical testing. Allele origin: germline.

Baylor Genetics
Classification: Pathogenic for Familial adenomatous polyposis 3. Last evaluated: 2024-03-29. Review status: criteria provided, single submitter. Criteria: ACMG Guidelines, 2015. Collection method: clinical testing. Allele origin: unknown. Study: CSER-TexasKidsCanSeq.

Genomic Medicine Center of Excellence, King Faisal Specialist Hospital and Research Centre
Classification: Pathogenic for Familial adenomatous polyposis 3. Last evaluated: 2024-03-29. Review status: criteria provided, single submitter. Criteria: ACMG Guidelines, 2015. Collection method: clinical testing. Allele origin: germline.

Revvity Omics, Revvity
Classification: Pathogenic for Familial adenomatous polyposis 3. Last evaluated: 2024-03-28. Review status: criteria provided, single submitter. Criteria: ACMG Guidelines, 2015. Collection method: clinical testing. Allele origin: germline.

Mayo Clinic Laboratories, Mayo Clinic
Classification: Pathogenic. Last evaluated: 2024-03-15. Review status: criteria provided, single submitter. Criteria: ACMG Guidelines, 2015. Collection method: clinical testing. Allele origin: germline.
Comment: PP1, PP4, PM3, PS4_moderate, PVS1

Human Genetics Bochum, Ruhr University Bochum
Classification: Pathogenic for Familial adenomatous polyposis 3. Last evaluated: 2023-10-02. Review status: criteria provided, single submitter. Criteria: ACMG Guidelines, 2015. Collection method: clinical testing. Allele origin: germline. Affected: yes.
Comment: ACMG criteria used to clasify this variant: PVS1, PS4, PM3_SUP

Myriad Genetics, Inc.
Classification: Pathogenic for Familial adenomatous polyposis 3. Last evaluated: 2023-09-01. Review status: criteria provided, single submitter. Criteria: Myriad Autosomal Dominant, Autosomal Recessive and X-Linked Classification Criteria (2023). Collection method: clinical testing. Allele origin: unknown.
Comment: This variant is considered pathogenic. This variant creates a termination codon and is predicted to result in premature protein truncation.

Genetics and Molecular Pathology, SA Pathology
Classification: Pathogenic for Familial adenomatous polyposis 3. Last evaluated: 2023-03-03. Review status: criteria provided, single submitter. Criteria: ACMG Guidelines, 2015. Collection method: clinical testing. Allele origin: germline. Inheritance: Autosomal recessive inheritance. Affected: yes.
Comment: The NTHL1 c.244C>T variant is classified as Pathogenic (PVS1, PS4_Moderate, PM3_Strong) The NTHL1 c.244C>T variant is a single nucleotide change which is predicted to result in the premature termination of the protein product at codon 82 (PVS1). The variant has been widely reported in the literature in affected patients (PMID:18515411, 25938944, 26431160, 26559593, 27720914, 31285513) (PS4_Moderate). It has been detected as homozygous in 4 unrelated patients and as compound het with another path/likely path variant in 3 patients (eg. PMID:33454955) (PM3_strong). The variant has been reported in dbSNP (rs150766139), in population databases (gnomAD 204/152138 alleles, 0 hom) and as disease causing in the HGMD database (CM088021). It has been reported as Conflicting interpretations of pathogenicity by other diagnostic laboratories (ClinVar Variation ID: 192319). Unaffected heterozygous carriers of this variant have been reported (PMID:18515411, PMID:25938944, PMID:31285513). Note: this variant is also known as (NM_002528.6):c.268C>T; p.Gln90*.

Laboratorio de Genetica e Diagnostico Molecular, Hospital Israelita Albert Einstein
Classification: Pathogenic for Familial adenomatous polyposis 3. Last evaluated: 2022-09-02. Review status: criteria provided, single submitter. Criteria: ACMG Guidelines, 2015. Collection method: clinical testing. Allele origin: germline. Affected: yes.
Comment: ACMG classification criteria: PVS1 very strong, PM3 strong

MGZ Medical Genetics Center
Classification: Pathogenic for Familial adenomatous polyposis 3. Last evaluated: 2022-06-22. Review status: criteria provided, single submitter. Criteria: ACMG Guidelines, 2015. Collection method: clinical testing. Allele origin: germline. Affected: yes. Observed: 4 variant alleles.
Comment: ACMG criteria applied: PVS1, PM3, PS4_SUP

Clinical Genetics Laboratory, Skane University Hospital Lund
Classification: Pathogenic. Last evaluated: 2022-05-27. Review status: criteria provided, single submitter. Criteria: ACMG Guidelines, 2015. Collection method: clinical testing. Allele origin: germline. Affected: yes.

Mendelics
Classification: Pathogenic for Familial adenomatous polyposis 3. Last evaluated: 2022-05-04. Review status: criteria provided, single submitter. Criteria: Mendelics Assertion Criteria 2019. Collection method: clinical testing. Allele origin: germline.

Sema4
Classification: Pathogenic for Hereditary cancer-predisposing syndrome. Last evaluated: 2022-02-18. Review status: criteria provided, single submitter. Criteria: Sema4 Curation Guidelines. Collection method: curation. Allele origin: germline.
Comment: The NTHL1 c.268C>T (p.Q90X) variant has been reported as homozygous and compound heterozygous in more than 10 individuals with colorectal cancer and/or adenomas (PMID: 25938944, 30248171, 30753826). This variant is also known as c.244C>T (p.Q82X) based on reference transcript NM_002528.7. This variant creates a premature stop codon at residue 90 of the NTHL1 protein. At this location, this is predicted to cause nonsense-mediated decay and result in an absent protein (loss of function). Loss of function variants in NTHL1 are known to be pathogenic (PMID: 25938944). This variant was observed in 89/25088 chromosomes in the Finnish population, with no homozygotes, according to the Genome Aggregation Database (PMID: 32461654). This variant has been reported in ClinVar (Variation ID: 192319). Based on the current evidence available, this variant is interpreted as pathogenic.

Institute for Clinical Genetics, University Hospital TU Dresden, University Hospital TU Dresden
Classification: Pathogenic. Last evaluated: 2021-06-08. Review status: criteria provided, single submitter. Criteria: ACMG Guidelines, 2015. Collection method: clinical testing. Allele origin: germline.
Comment: PP5, PP1, BS1

Department of Molecular Diagnostics, Institute of Oncology Ljubljana
Classification: Pathogenic for Familial adenomatous polyposis 3. Last evaluated: 2020-04-02. Review status: criteria provided, single submitter. Criteria: ACMG Guidelines, 2015. Collection method: clinical testing. Allele origin: germline. Affected: yes.